The following is an entry in ClinVar:

ClinVar aggregate classification (germline): Likely pathogenic (1 of 4 stars; one submission).

Conditions:
Developmental and epileptic encephalopathy, 32 (DEE32). Also called: Epileptic encephalopathy, early infantile, 32. Identifiers: Orphanet 442835, MedGen C4225350, MONDO:0014607, OMIM 616366.

Submission:

Labcorp Genetics (formerly Invitae), Labcorp
Classification: Likely pathogenic for Developmental and epileptic encephalopathy, 32. Last evaluated: 2022-09-01. Review status: criteria provided, single submitter. Criteria: Invitae Variant Classification Sherloc (09022015). Collection method: clinical testing. Allele origin: germline.
Comment: In summary, the currently available evidence indicates that the variant is pathogenic, but additional data are needed to prove that conclusively. Therefore, this variant has been classified as Likely Pathogenic. This sequence change replaces arginine, which is basic and polar, with proline, which is neutral and non-polar, at codon 294 of the KCNA2 protein (p.Arg294Pro). This variant is not present in population databases (gnomAD no frequency). This variant has not been reported in the literature in individuals affected with KCNA2-related conditions. Advanced modeling of protein sequence and biophysical properties (such as structural, functional, and spatial information, amino acid conservation, physicochemical variation, residue mobility, and thermodynamic stability) performed at Invitae indicates that this missense variant is expected to disrupt KCNA2 protein function. This variant disrupts the p.Arg294 amino acid residue in KCNA2. Other variant(s) that disrupt this residue have been determined to be pathogenic (PMID: 27543892, 28032718). This suggests that this residue is clinically significant, and that variants that disrupt this residue are likely to be disease-causing.

Literature cited by the submitters: PubMed 27543892; PubMed 28032718.

NM_004974.4(KCNA2):c.881G>C (p.Arg294Pro)

Gene: KCNA2 (potassium voltage-gated channel subfamily A member 2; minus strand). Cytogenetic location: 1p13.3.
Variant type: single nucleotide variant.
Coding change: c.881G>C on transcript NM_004974.4 (MANE Select); coding-DNA position 881, G replaced by C.
Protein change: p.Arg294Pro; replaces arginine 294 with proline.
Molecular consequence: missense variant.
Genome position (GRCh38, 1-based): chr1:110,603,902, C>G on the plus strand (G>C on the coding strand, the complement: KCNA2 is on the minus strand). VCF-style: chr1-110603902-C-G. GRCh37 (hg19) VCF-style: chr1-111146524-C-G.
Other names: c.881G>C, p.Arg294Pro (NM_001204269.2); short protein forms R294P.
Identifiers: ClinVar variation 2109320 (VCV002109320.4), dbSNP rs886041761, ClinGen allele CA341602931.